The following is an entry in ClinVar:

ClinVar aggregate classification (germline): Likely benign (1 of 4 stars; one submission).

gnomAD v4.1: 77 of 1,613,884 alleles (0.0048%); highest among the groups gnomAD compares: South Asian, 0.055%; 2 homozygotes.

Submission:

CeGaT Center for Human Genetics Tuebingen
Classification: Likely benign. Last evaluated: 2026-01-01. Review status: criteria provided, single submitter. Criteria: CeGaT Center For Human Genetics Tuebingen Variant Classification Criteria Version 2. Collection method: clinical testing. Allele origin: germline. Affected: yes. Observed: 1 variant allele.
Comment: CMPK2: BP4, BP7

NM_207315.4(CMPK2):c.801G>A (p.Thr267=)

Gene: CMPK2 (cytidine/uridine monophosphate kinase 2; minus strand). Cytogenetic location: 2p25.2.
Variant type: single nucleotide variant.
Coding change: c.801G>A on transcript NM_207315.4 (MANE Select); coding-DNA position 801, G replaced by A.
Protein change: p.Thr267=; no amino-acid change (threonine 267 retained).
Molecular consequence: synonymous variant. On other transcripts: non-coding transcript variant (1).
Genome position (GRCh38, 1-based): chr2:6,861,375, C>T on the plus strand (G>A on the coding strand, the complement: CMPK2 is on the minus strand). VCF-style: chr2-6861375-C-T. GRCh37 (hg19) VCF-style: chr2-7001506-C-T.
Other names: c.801G>A, p.Thr267= (NM_001256477.1, NM_001256478.1).
Identifiers: ClinVar variation 4822140 (VCV004822140.4).